The following is an entry in ClinVar:

NM_005359.6(SMAD4):c.619A>G (p.Asn207Asp)

Gene: SMAD4 (SMAD family member 4; plus strand). Cytogenetic location: 18q21.2.
Variant type: single nucleotide variant.
Coding change: c.619A>G on transcript NM_005359.6 (MANE Select); coding-DNA position 619, A replaced by G.
Protein change: p.Asn207Asp; replaces asparagine 207 with aspartic acid.
Molecular consequence: missense variant.
Genome position (GRCh38, 1-based): chr18:51,054,945, A>G. VCF-style: chr18-51054945-A-G. GRCh37 (hg19) VCF-style: chr18-48581315-A-G.
Other names: short protein forms N207D.
Identifiers: ClinVar variation 1306447 (VCV001306447.2), dbSNP rs1909801132, ClinGen allele CA402461191.

ClinVar aggregate classification (germline): Uncertain significance (1 of 4 stars; one submission).

Submission:

GeneDx
Classification: Uncertain significance. Last evaluated: 2019-06-11. Review status: criteria provided, single submitter. Criteria: GeneDx Variant Classification Process June 2021. Collection method: clinical testing. Allele origin: germline. Affected: yes.
Comment: Has not been previously published as pathogenic or benign to our knowledge; Not observed in large population cohorts (Lek et al., 2016); In silico analysis, which includes protein predictors and evolutionary conservation, supports that this variant does not alter protein structure/function